The following is an entry in ClinVar:

NM_001017975.6(HFM1):c.3421C>T (p.Arg1141Ter)

Gene: HFM1 (helicase for meiosis 1; minus strand). Cytogenetic location: 1p22.2.
Variant type: single nucleotide variant.
Coding change: c.3421C>T on transcript NM_001017975.6 (MANE Select); coding-DNA position 3421, C replaced by T.
Protein change: p.Arg1141Ter; replaces arginine 1141 with a stop codon.
Molecular consequence: nonsense. On other transcripts: non-coding transcript variant (1).
Genome position (GRCh38, 1-based): chr1:91,277,033, G>A on the plus strand (C>T on the coding strand, the complement: HFM1 is on the minus strand). VCF-style: chr1-91277033-G-A. GRCh37 (hg19) VCF-style: chr1-91742590-G-A.
Other names: short protein forms R1141*.
Identifiers: ClinVar variation 4845705 (VCV004845705.1).

ClinVar aggregate classification (germline): Likely pathogenic (1 of 4 stars; one submission).

Conditions:
Premature ovarian failure 9 (POF9). Identifiers: MedGen C3810376, MONDO:0014322, OMIM 615724.

gnomAD v4.1: 2 of 1,595,280 alleles (0.00013%); highest among the groups gnomAD compares: South Asian, 0.0023%; no homozygotes.

Submission:

First Genomix Gene Laboratory, Genetic Diagnostics Department
Classification: Likely pathogenic for Premature ovarian failure 9. Last evaluated: 2025-01-17. Review status: criteria provided, single submitter. Criteria: ACMG Guidelines, 2015. Collection method: clinical testing. Allele origin: germline. Inheritance: Autosomal recessive inheritance. Affected: no. Observed: 1 variant allele.